The following is an entry in ClinVar:

NM_001127178.3(PIGG):c.2771C>T (p.Ala924Val)

Gene: PIGG (phosphatidylinositol glycan anchor biosynthesis class G (EMM blood group); plus strand). Cytogenetic location: 4p16.3.
Variant type: single nucleotide variant.
Coding change: c.2771C>T on transcript NM_001127178.3 (MANE Select); coding-DNA position 2771, C replaced by T.
Protein change: p.Ala924Val; replaces alanine 924 with valine.
Molecular consequence: missense variant. On other transcripts: non-coding transcript variant (10).
Genome position (GRCh38, 1-based): chr4:539,188, C>T. VCF-style: chr4-539188-C-T. GRCh37 (hg19) VCF-style: chr4-532977-C-T.
Other names: c.2504C>T, p.Ala835Val (NM_001289051.2, NM_001345986.2); c.2372C>T, p.Ala791Val (NM_001289052.2); c.2480C>T, p.Ala827Val (NM_001345987.2); c.1742C>T, p.Ala581Val (NM_001345988.2); c.1238C>T, p.Ala413Val (NM_001345990.2, NM_001345991.2); c.1673C>T, p.Ala558Val (NM_001345994.2); c.2747C>T, p.Ala916Val (NM_017733.5); short protein forms A413V, A916V, A924V, A558V, A581V, A791V, A827V, A835V.
Identifiers: ClinVar variation 1492469 (VCV001492469.3), dbSNP rs1363023259, ClinGen allele CA355913155.

ClinVar aggregate classification (germline): Uncertain significance (1 of 4 stars; one submission).

Conditions:
Intellectual disability, autosomal recessive 53 (NEDHSCA). Also called: GLYCOSYLPHOSPHATIDYLINOSITOL BIOSYNTHESIS DEFECT 13; Mental retardation, autosomal recessive 53; NEURODEVELOPMENTAL DISORDER WITH OR WITHOUT HYPOTONIA, SEIZURES, AND CEREBELLAR ATROPHY. Identifiers: Orphanet 488635, MedGen C4310794, MONDO:0014832, OMIM 616917.

Allele frequency attached by ClinVar (database versions not stated): gnomAD exomes below 0.00001; TOPMed below 0.00001.

Submission:

Labcorp Genetics (formerly Invitae), Labcorp
Classification: Uncertain significance for Intellectual disability, autosomal recessive 53. Last evaluated: 2022-01-15. Review status: criteria provided, single submitter. Criteria: Invitae Variant Classification Sherloc (09022015). Collection method: clinical testing. Allele origin: germline.
Comment: This sequence change replaces alanine, which is neutral and non-polar, with valine, which is neutral and non-polar, at codon 924 of the PIGG protein (p.Ala924Val). The frequency data for this variant in the population databases is considered unreliable, as metrics indicate poor data quality at this position in the gnomAD database. This variant has not been reported in the literature in individuals affected with PIGG-related conditions. Algorithms developed to predict the effect of missense changes on protein structure and function output the following: SIFT: "Tolerated"; PolyPhen-2: "Benign"; Align-GVGD: "Class C0". The valine amino acid residue is found in multiple mammalian species, which suggests that this missense change does not adversely affect protein function. In summary, the available evidence is currently insufficient to determine the role of this variant in disease. Therefore, it has been classified as a Variant of Uncertain Significance.